The following is an entry in ClinVar:

ClinVar aggregate classification (germline): Benign (1 of 4 stars; one submission).

Allele frequency attached by ClinVar (database versions not stated): gnomAD exomes 0.57929; gnomAD 0.59013; TOPMed 0.61831; 1000 Genomes Project 30x 0.64163; 1000 Genomes Project 0.64557.
gnomAD v4.1: 914,353 of 1,571,890 alleles (58%); highest among the groups gnomAD compares: Admixed American, 68%; 267,648 homozygotes.

Submission:

GeneDx
Classification: Benign. Last evaluated: 2018-06-14. Review status: criteria provided, single submitter. Criteria: GeneDx Variant Classification (06012015). Collection method: clinical testing. Allele origin: germline. Affected: yes.
Comment: This variant is considered likely benign or benign based on one or more of the following criteria: it is a conservative change, it occurs at a poorly conserved position in the protein, it is predicted to be benign by multiple in silico algorithms, and/or has population frequency not consistent with disease.

NM_182961.4(SYNE1):c.23020-59C>T

Gene: SYNE1 (spectrin repeat containing nuclear envelope protein 1; minus strand). Cytogenetic location: 6q25.2.
Variant type: single nucleotide variant.
Coding change: c.23020-59C>T on transcript NM_182961.4 (MANE Select); 59 bases into the intron before coding-DNA position 23020, C replaced by T.
Molecular consequence: intron variant.
Genome position (GRCh38, 1-based): chr6:152,202,008, G>A on the plus strand (C>T on the coding strand, the complement: SYNE1 is on the minus strand). VCF-style: chr6-152202008-G-A. GRCh37 (hg19) VCF-style: chr6-152523143-G-A.
Other names: c.22807-59C>T (NM_033071.5).
Identifiers: ClinVar variation 670210 (VCV000670210.1), dbSNP rs2635441, ClinGen allele CA12422694.
Genomic context (GRCh38, chr6:152,202,008, plus strand): 5'-TCCTATCATGGGAATAAAAACAAATAGCATAGATGTTTTTGATGTAGGAAACTGGGGGGG[G>A]AAAAGAAAAGAAACACTCTTCTTCATTCCCAGAGAAAGAATGAAAGTTACACTGATGGCT-3'